The following is an entry in ClinVar:

NM_003482.4(KMT2D):c.1011G>A (p.Ser337=)

Gene: KMT2D (lysine methyltransferase 2D; minus strand). Cytogenetic location: 12q13.12.
Variant type: single nucleotide variant.
Coding change: c.1011G>A on transcript NM_003482.4 (MANE Select); coding-DNA position 1011, G replaced by A.
Protein change: p.Ser337=; no amino-acid change (serine 337 retained).
Molecular consequence: synonymous variant.
Genome position (GRCh38, 1-based): chr12:49,053,016, C>T on the plus strand (G>A on the coding strand, the complement: KMT2D is on the minus strand). VCF-style: chr12-49053016-C-T. GRCh37 (hg19) VCF-style: chr12-49446799-C-T.
Other names: c.1011G>A (NM_003482.3).
Identifiers: ClinVar variation 1386072 (VCV001386072.8), dbSNP rs368882441, ClinGen allele CA6548595.

ClinVar aggregate classification (germline): Likely benign. Review status: criteria provided, single submitter (1 of 4 stars). 2 submissions from 2 submitters: Likely benign (1). 1 of the submissions does not count toward it. Last evaluated 2025-07-23.

Conditions:
Kabuki syndrome. Also called: Kabuki make-up syndrome; NIIKAWA-KUROKI SYNDROME. Identifiers: Orphanet 2322, MedGen C0796004, MONDO:0016512.
KMT2D-related disorder. Also called: KMT2D-Related Disorders.

Allele frequency attached by ClinVar (database versions not stated): gnomAD 0.00009 and 0.00010; TOPMed 0.00011; 1000 Genomes Project 30x 0.00016; 1000 Genomes Project 0.00020; ESP Exome Variant Server 0.00024.
gnomAD v4.1: 32 of 1,614,020 alleles (0.002%); highest among the groups gnomAD compares: African/African-American, 0.033%; no homozygotes.

Submissions (2):

Labcorp Genetics (formerly Invitae), Labcorp
Classification: Likely benign for Kabuki syndrome. Last evaluated: 2025-07-23. Review status: criteria provided, single submitter. Criteria: Invitae Variant Classification Sherloc (09022015). Collection method: clinical testing. Allele origin: germline.

PreventionGenetics, part of Exact Sciences
Classification: Likely benign for KMT2D-related condition. Last evaluated: 2022-08-24. Review status: no assertion criteria provided. Collection method: clinical testing. Allele origin: germline. Not counted in ClinVar's aggregate classification.
Comment: This variant is classified as likely benign based on ACMG/AMP sequence variant interpretation guidelines (Richards et al. 2015 PMID: 25741868, with internal and published modifications).